The following is an entry in ClinVar:

NM_007118.4(TRIO):c.8211-4G>A

Genes: TRIO (trio Rho guanine nucleotide exchange factor; plus strand), LOC126807323 (CDK7 strongly-dependent group 2 enhancer GRCh37_chr5:14497716-14498915; plus strand). Cytogenetic location: 5p15.2.
Variant type: single nucleotide variant.
Coding change: c.8211-4G>A on transcript NM_007118.4 (MANE Select); 4 bases into the intron before coding-DNA position 8211, G replaced by A.
Molecular consequence: intron variant.
Genome position (GRCh38, 1-based): chr5:14,498,515, G>A. VCF-style: chr5-14498515-G-A. GRCh37 (hg19) VCF-style: chr5-14498624-G-A.
Identifiers: ClinVar variation 1274507 (VCV001274507.3), dbSNP rs115607794, ClinGen allele CA3207793.
Genomic context (GRCh38, chr5:14,498,515, plus strand): 5'-GCCAGCGCTGATGGCCACGTGCTCAGCTTTTCTGATGCGCAGTGTGTTCCCATCTGTGCC[G>A]CAGTGACCTGGGAGAGGCCACGCTGAAGATTGTGGGCGTGACCACGGAAGATGACGGCAT-3'

ClinVar aggregate classification (germline): Benign. Review status: criteria provided, multiple submitters, no conflicts (2 of 4 stars). 3 submissions from 3 submitters: Benign (3). Last evaluated 2023-05-04.

Conditions:
Intellectual developmental disorder, autosomal dominant 63, with macrocephaly. Also called: MENTAL RETARDATION, AUTOSOMAL DOMINANT 63, WITH MACROCEPHALY. Identifiers: MedGen C5394205, MONDO:0032939, OMIM 618825.

Allele frequency attached by ClinVar (database versions not stated): 1000 Genomes Project 30x 0.01140; 1000 Genomes Project 0.01178; ESP Exome Variant Server 0.02114.
gnomAD v4.1: 39,546 of 1,613,684 alleles (2.5%); highest among the groups gnomAD compares: Non-Finnish European, 2.8%; 603 homozygotes.

Submissions (3):

Molecular Genetics, Royal Melbourne Hospital
Classification: Benign for Intellectual developmental disorder, autosomal dominant 63, with macrocephaly. Last evaluated: 2023-05-04. Review status: criteria provided, single submitter. Criteria: ACMG Guidelines, 2015. Collection method: clinical testing. Allele origin: germline. Affected: yes.
Comment: European Non-Finnish population allele frequency is 3.022% (rs115607794, 4003/128686 alleles, 75 homozygotes in gnomAD v2.1). Based on the classification scheme RMH Modified ACMG/AMP Guidelines v1.2.1, this variant is classified as BENIGN. Following criteria are met: BA1

GeneDx
Classification: Benign. Last evaluated: 2020-08-28. Review status: criteria provided, single submitter. Criteria: GeneDx Variant Classification Process June 2021. Collection method: clinical testing. Allele origin: germline. Affected: yes.

Breakthrough Genomics
Classification: Benign. Review status: criteria provided, single submitter. Criteria: ACMG Guidelines, 2015. Collection method: not provided. Allele origin: germline. Inheritance: Autosomal dominant inheritance. Affected: yes.